The following is an entry in ClinVar:

ClinVar aggregate classification (germline): Uncertain significance (1 of 4 stars; one submission).

Conditions:
Autosomal recessive limb-girdle muscular dystrophy type 2E (LGMDR4). Also called: MUSCULAR DYSTROPHY, LIMB-GIRDLE, AUTOSOMAL RECESSIVE 4. Identifiers: Orphanet 119, MedGen C1858593, MONDO:0011423, OMIM 604286. Disease mechanism: Affects gamma-sarcoglycan and also disrupts the integrity of the entire sarcoglycan complex..

Submission:

Labcorp Genetics (formerly Invitae), Labcorp
Classification: Uncertain significance for Limb-girdle muscular dystrophy, type 2E. Last evaluated: 2018-04-02. Review status: criteria provided, single submitter. Criteria: Invitae Variant Classification Sherloc (09022015). Collection method: clinical testing. Allele origin: germline.
Comment: This sequence change replaces aspartic acid with histidine at codon 115 of the SGCB protein (p.Asp115His). The aspartic acid residue is highly conserved and there is a moderate physicochemical difference between aspartic acid and histidine. This variant is not present in population databases (ExAC no frequency). This variant has not been reported in the literature in individuals with SGCB-related disease. Algorithms developed to predict the effect of missense changes on protein structure and function (SIFT, PolyPhen-2, Align-GVGD) all suggest that this variant is likely to be disruptive, but these predictions have not been confirmed by published functional studies and their clinical significance is uncertain. In summary, the available evidence is currently insufficient to determine the role of this variant in disease. Therefore, it has been classified as a Variant of Uncertain Significance.

NM_000232.5(SGCB):c.343G>C (p.Asp115His)

Gene: SGCB (sarcoglycan beta; minus strand). Cytogenetic location: 4q12.
Variant type: single nucleotide variant.
Coding change: c.343G>C on transcript NM_000232.5 (MANE Select); coding-DNA position 343, G replaced by C.
Protein change: p.Asp115His; replaces aspartic acid 115 with histidine.
Molecular consequence: missense variant.
Genome position (GRCh38, 1-based): chr4:52,029,764, C>G on the plus strand (G>C on the coding strand, the complement: SGCB is on the minus strand). VCF-style: chr4-52029764-C-G. GRCh37 (hg19) VCF-style: chr4-52895930-C-G.
Other names: short protein forms D115H.
Identifiers: ClinVar variation 567384 (VCV000567384.1), dbSNP rs1560567700, ClinGen allele CA356877297.